The following is an entry in ClinVar:

ClinVar aggregate classification (germline): Uncertain significance. Review status: criteria provided, multiple submitters, no conflicts (2 of 4 stars). 2 submissions from 2 submitters: Uncertain significance (2). Last evaluated 2023-02-24.

Allele frequency attached by ClinVar (database versions not stated): gnomAD exomes 0.00001; TOPMed 0.00004; gnomAD 0.00005.
gnomAD v4.1: 58 of 1,613,498 alleles (0.0036%); highest among the groups gnomAD compares: Non-Finnish European, 0.0046%; no homozygotes.

Submissions (2):

Blueprint Genetics
Classification: Uncertain significance. Last evaluated: 2023-02-24. Review status: criteria provided, single submitter. Criteria: ACMG Guidelines, 2015. Collection method: clinical testing. Allele origin: germline.

Labcorp Genetics (formerly Invitae), Labcorp
Classification: Uncertain significance. Last evaluated: 2022-07-25. Review status: criteria provided, single submitter. Criteria: Invitae Variant Classification Sherloc (09022015). Collection method: clinical testing. Allele origin: germline.
Comment: This sequence change replaces arginine, which is basic and polar, with histidine, which is basic and polar, at codon 1602 of the KIAA1549 protein (p.Arg1602His). This variant is present in population databases (rs775488624, gnomAD 0.005%). This variant has not been reported in the literature in individuals affected with KIAA1549-related conditions. ClinVar contains an entry for this variant (Variation ID: 1036839). Algorithms developed to predict the effect of missense changes on protein structure and function (SIFT, PolyPhen-2, Align-GVGD) all suggest that this variant is likely to be disruptive. In summary, the available evidence is currently insufficient to determine the role of this variant in disease. Therefore, it has been classified as a Variant of Uncertain Significance.

NM_001164665.2(KIAA1549):c.4805G>A (p.Arg1602His)

Gene: KIAA1549 (KIAA1549; minus strand). Cytogenetic location: 7q34.
Variant type: single nucleotide variant.
Coding change: c.4805G>A on transcript NM_001164665.2 (MANE Select); coding-DNA position 4805, G replaced by A.
Protein change: p.Arg1602His; replaces arginine 1602 with histidine.
Molecular consequence: missense variant.
Genome position (GRCh38, 1-based): chr7:138,868,099, C>T on the plus strand (G>A on the coding strand, the complement: KIAA1549 is on the minus strand). VCF-style: chr7-138868099-C-T. GRCh37 (hg19) VCF-style: chr7-138552845-C-T.
Other names: c.4805G>A, p.Arg1602His (NM_020910.3); short protein forms R1602H.
Identifiers: ClinVar variation 1036839 (VCV001036839.7), dbSNP rs775488624, ClinGen allele CA167147217.